The following is an entry in ClinVar:

NM_005228.5(EGFR):c.3430C>T (p.Pro1144Ser)

Gene: EGFR (epidermal growth factor receptor; plus strand). Cytogenetic location: 7p11.2.
Variant type: single nucleotide variant.
Coding change: c.3430C>T on transcript NM_005228.5 (MANE Select); coding-DNA position 3430, C replaced by T.
Protein change: p.Pro1144Ser; replaces proline 1144 with serine.
Molecular consequence: missense variant.
Genome position (GRCh38, 1-based): chr7:55,205,414, C>T. VCF-style: chr7-55205414-C-T. GRCh37 (hg19) VCF-style: chr7-55273107-C-T.
Other names: c.3295C>T, p.Pro1099Ser (NM_001346899.2); c.3271C>T, p.Pro1091Ser (NM_001346900.2); c.2629C>T, p.Pro877Ser (NM_001346941.2); short protein forms P1091S, P1099S, P1144S, P877S.
Identifiers: ClinVar variation 4824490 (VCV004824490.1).

ClinVar aggregate classification (germline): Uncertain significance (1 of 4 stars; one submission).

Conditions:
Hereditary cancer-predisposing syndrome. Also called: Neoplastic Syndromes, Hereditary; Hereditary neoplastic syndrome; Tumor predisposition; Hereditary Cancer Syndrome. Identifiers: Orphanet 140162, MedGen C0027672, MeSH D009386, MONDO:0015356.

Submission:

Ambry Genetics
Classification: Uncertain significance for Hereditary cancer-predisposing syndrome. Last evaluated: 2026-02-22. Review status: criteria provided, single submitter. Criteria: Ambry Variant Classification Scheme 2023. Collection method: clinical testing. Allele origin: germline.
Comment: The p.P1144S variant (also known as c.3430C>T), located in coding exon 28 of the EGFR gene, results from a C to T substitution at nucleotide position 3430. The proline at codon 1144 is replaced by serine, an amino acid with similar properties. This amino acid position is conserved. In addition, this alteration is predicted to be tolerated by in silico analysis. Based on the available evidence, the clinical significance of this variant remains unclear.